The following is an entry in ClinVar:

NM_005898.5(CAPRIN1):c.890G>C (p.Arg297Thr)

Gene: CAPRIN1 (cell cycle associated protein 1; plus strand). Cytogenetic location: 11p13.
Variant type: single nucleotide variant.
Coding change: c.890G>C on transcript NM_005898.5 (MANE Select); coding-DNA position 890, G replaced by C.
Protein change: p.Arg297Thr; replaces arginine 297 with threonine.
Molecular consequence: missense variant.
Genome position (GRCh38, 1-based): chr11:34,082,965, G>C. VCF-style: chr11-34082965-G-C. GRCh37 (hg19) VCF-style: chr11-34104512-G-C.
Other names: c.890G>C, p.Arg297Thr (NM_203364.3); short protein forms R297T.
Identifiers: ClinVar variation 3371640 (VCV003371640.1).
Genomic context (GRCh38, chr11:34,082,965, plus strand): 5'-ACTTTGCTGCCTTTCAAACAAATGTCTCAAACATTTACTTTGCTTTGCAGTATGTAAATA[G>C]ACAGTTCATGGCAGAAACACAGTTCACCAGTGGTGAAAAGGAGCAGGTAGATGAGTGGAC-3'
Protein context (NP_005889.3, residues 287-307): SEVESTEYVN[Arg297Thr]QFMAETQFTS

ClinVar aggregate classification (germline): Uncertain significance (1 of 4 stars; one submission).

Submission:

GeneDx
Classification: Uncertain significance. Last evaluated: 2024-04-01. Review status: criteria provided, single submitter. Criteria: GeneDx Variant Classification Process June 2021. Collection method: clinical testing. Allele origin: germline. Affected: yes.
Comment: Not observed at significant frequency in large population cohorts (gnomAD); In silico analysis supports that this missense variant has a deleterious effect on protein structure/function; In silico analysis is inconclusive as to whether the variant alters gene splicing. In the absence of RNA/functional studies, the actual effect of this sequence change is unknown.; Has not been previously published as pathogenic or benign to our knowledge